The following is an entry in ClinVar:

NM_000169.3(GLA):c.626_629dup (p.Phe211fs)

Genes: GLA (galactosidase alpha; minus strand), RPL36A-HNRNPH2 (RPL36A-HNRNPH2 readthrough; plus strand). Cytogenetic location: Xq22.1.
Variant type: Duplication.
Coding change: c.626_629dup on transcript NM_000169.3 (MANE Select); coding-DNA positions 626 to 629, 4 bases duplicated (GGCC; older notation c.626_629dupGGCC).
Protein change: p.Phe211fs; shifts the reading frame from phenylalanine 211.
Molecular consequence: frameshift variant. On other transcripts: non-coding transcript variant (2), intron variant (2).
Genome position (GRCh38, 1-based): chrX:101,400,676-101,400,679, GGCC duplicated on the plus strand (GGCC on the coding strand, the reverse complement: GLA is on the minus strand). VCF-style (leftmost placement, unchanged base first): chrX-101400675-G-GGGCC. GRCh37 (hg19) VCF-style: chrX-100655663-G-GGGCC.
Other names: c.749_752dup, p.Phe252fs (NM_001406747.1); c.626_629dup, p.Phe211fs (NM_001406748.1); c.300+5219_300+5222dup (NM_001199973.2); c.177+8854_177+8857dup (NM_001199974.2); short protein forms F211fs, F252fs.
Identifiers: ClinVar variation 4856605 (VCV004856605.1).

ClinVar aggregate classification (germline): Likely pathogenic (1 of 4 stars; one submission).

Conditions:
Fabry disease. Also called: Fabry's disease; GLA DEFICIENCY; HEREDITARY DYSTOPIC LIPIDOSIS; Ceramide trihexosidosis; Angiokeratoma corporis diffusum; ALPHA-GALACTOSIDASE A DEFICIENCY. Identifiers: Orphanet 324, MedGen C0002986, MONDO:0010526, OMIM 301500, HP:0001071. Disease mechanism: Fabry disease is due to inactivating mutations in the X-linked GLA gene resulting in deficiency of the enzyme Alpha Galactosidase-A., loss of function.

Submission:

Serv. Biochemistry and Molecular genetics, Hospital Clinic de Barcelona, Hospital Clínic de Barcelona
Classification: Likely pathogenic for Fabry disease. Last evaluated: 2026-05-21. Review status: criteria provided, single submitter. Criteria: ACMG Guidelines, 2015. Collection method: clinical testing. Allele origin: germline. Inheritance: X-linked inheritance. Affected: yes. Observed: 1 variant allele.
Comment: Classification reported in the manuscript using ACMG criteria/in silico tools: Pathogenic. Variant type: Insertion; amino acid change: p.Phe211AlafsTer22. Criteria: PVS1, PM2